The following is an entry in ClinVar:

ClinVar aggregate classification (germline): Uncertain significance (1 of 4 stars; one submission).

Allele frequency attached by ClinVar (database versions not stated): gnomAD exomes 0.00001; ExAC 0.00004; gnomAD 0.00004; ESP Exome Variant Server 0.00008; TOPMed 0.00009.
gnomAD v4.1: 27 of 1,614,052 alleles (0.0017%); highest among the groups gnomAD compares: Admixed American, 0.01%; no homozygotes.

Submission:

Labcorp Genetics (formerly Invitae), Labcorp
Classification: Uncertain significance. Last evaluated: 2026-01-07. Review status: criteria provided, single submitter. Criteria: Invitae Variant Classification Sherloc (09022015). Collection method: clinical testing. Allele origin: germline.
Comment: This sequence change replaces arginine, which is basic and polar, with glutamine, which is neutral and polar, at codon 647 of the ANKZF1 protein (p.Arg647Gln). This variant is present in population databases (rs374306658, gnomAD 0.01%). This variant has not been reported in the literature in individuals affected with ANKZF1-related conditions. ClinVar contains an entry for this variant (Variation ID: 2077228). An algorithm developed to predict the effect of missense changes on protein structure and function outputs the following: PolyPhen-2: "Benign". The glutamine amino acid residue is found in multiple mammalian species, which suggests that this missense change does not adversely affect protein function. In summary, the available evidence is currently insufficient to determine the role of this variant in disease. Therefore, it has been classified as a Variant of Uncertain Significance.

NM_018089.3(ANKZF1):c.1940G>A (p.Arg647Gln)

Gene: ANKZF1 (ankyrin repeat and zinc finger peptidyl tRNA hydrolase 1; plus strand). Cytogenetic location: 2q35.
Variant type: single nucleotide variant.
Coding change: c.1940G>A on transcript NM_018089.3 (MANE Select); coding-DNA position 1940, G replaced by A.
Protein change: p.Arg647Gln; replaces arginine 647 with glutamine.
Molecular consequence: missense variant.
Genome position (GRCh38, 1-based): chr2:219,235,844, G>A. VCF-style: chr2-219235844-G-A. GRCh37 (hg19) VCF-style: chr2-220100566-G-A.
Other names: c.1940G>A, p.Arg647Gln (NM_001042410.2); c.1310G>A, p.Arg437Gln (NM_001282792.2); short protein forms R437Q, R647Q.
Identifiers: ClinVar variation 2077228 (VCV002077228.4), dbSNP rs374306658, ClinGen allele CA2121236.